The following is an entry in ClinVar:

NM_020458.4(TTC7A):c.2385G>C (p.Lys795Asn)

Gene: TTC7A (tetratricopeptide repeat domain 7A; plus strand). Cytogenetic location: 2p21.
Variant type: single nucleotide variant.
Coding change: c.2385G>C on transcript NM_020458.4 (MANE Select); coding-DNA position 2385, G replaced by C.
Protein change: p.Lys795Asn; replaces lysine 795 with asparagine.
Molecular consequence: missense variant.
Genome position (GRCh38, 1-based): chr2:47,073,731, G>C. VCF-style: chr2-47073731-G-C. GRCh37 (hg19) VCF-style: chr2-47300870-G-C.
Other names: c.2457G>C, p.Lys819Asn (NM_001288951.2); c.2283G>C, p.Lys761Asn (NM_001288953.2); c.1323G>C, p.Lys441Asn (NM_001288955.2); short protein forms K819N, K761N, K441N, K795N.
Identifiers: ClinVar variation 2197317 (VCV002197317.2), dbSNP rs1210703047, ClinGen allele CA346717497.
Genomic context (GRCh38, chr2:47,073,731, plus strand): 5'-CTACTCACCCTGCCCTGTGCTTCGTCCACAGGGTCTGATGCTGAGTCGGCTGGGCCACAA[G>C]AGCTTGGCCCAGAAGGTGCTTCGTGATGCCGTGGAGAGGCAGAGTACGTGCCACGAGGCG-3'
Protein context (NP_065191.2, residues 785-805): LGLMLSRLGH[Lys795Asn]SLAQKVLRDA

ClinVar aggregate classification (germline): Uncertain significance (1 of 4 stars; one submission).

Conditions:
Multiple gastrointestinal atresias. Also called: Multiple intestinal atresia; FAMILIAL INTESTINAL POLYATRESIA SYNDROME. Identifiers: Orphanet 2300, MedGen C0220744, MONDO:0009465.

gnomAD v4.1: 1 of 1,613,780 alleles (0.000062%); no homozygotes.

Submission:

Labcorp Genetics (formerly Invitae), Labcorp
Classification: Uncertain significance for Multiple gastrointestinal atresias. Last evaluated: 2022-03-04. Review status: criteria provided, single submitter. Criteria: Invitae Variant Classification Sherloc (09022015). Collection method: clinical testing. Allele origin: germline.
Comment: Algorithms developed to predict the effect of missense changes on protein structure and function (SIFT, PolyPhen-2, Align-GVGD) all suggest that this variant is likely to be tolerated. This variant has not been reported in the literature in individuals affected with TTC7A-related conditions. This variant is not present in population databases (gnomAD no frequency). This sequence change replaces lysine, which is basic and polar, with asparagine, which is neutral and polar, at codon 795 of the TTC7A protein (p.Lys795Asn). In summary, the available evidence is currently insufficient to determine the role of this variant in disease. Therefore, it has been classified as a Variant of Uncertain Significance.